The following is an entry in ClinVar:

ClinVar aggregate classification (germline): Uncertain significance (1 of 4 stars; one submission).

Conditions:
Ehlers-Danlos syndrome, classic type, 1 (EDSCL1). Also called: EHLERS-DANLOS SYNDROME, GRAVIS TYPE; EHLERS-DANLOS SYNDROME, SEVERE CLASSIC TYPE; Ehlers-Danlos syndrome, type 1; Ehlers-Danlos Syndrome, Classic Type, COL5A1-Related; EDS I. Identifiers: MedGen C0268335, MONDO:0019567, OMIM 130000.

Submission:

Labcorp Genetics (formerly Invitae), Labcorp
Classification: Uncertain significance for Ehlers-Danlos syndrome, classic type, 1. Last evaluated: 2025-11-12. Review status: criteria provided, single submitter. Criteria: Invitae Variant Classification Sherloc (09022015). Collection method: clinical testing. Allele origin: germline.
Comment: This sequence change affects codon 572 of the COL5A2 mRNA. It is a 'silent' change, meaning that it does not change the encoded amino acid sequence of the COL5A2 protein. This variant also falls at the last nucleotide of exon 25, which is part of the consensus splice site for this exon. This variant is present in population databases (rs775139063, gnomAD 0.0009%). This variant has not been reported in the literature in individuals affected with COL5A2-related conditions. Variants that disrupt the consensus splice site are a relatively common cause of aberrant splicing (PMID: 17576681, 9536098). Algorithms developed to predict the effect of sequence changes on RNA splicing suggest that this variant may disrupt the consensus splice site. In summary, the available evidence is currently insufficient to determine the role of this variant in disease. Therefore, it has been classified as a Variant of Uncertain Significance.

Literature cited by the submitters: PubMed 17576681; PubMed 9536098.

NM_000393.5(COL5A2):c.1716G>T (p.Arg572=)

Gene: COL5A2 (collagen type V alpha 2 chain; minus strand). Cytogenetic location: 2q32.2.
Variant type: single nucleotide variant.
Coding change: c.1716G>T on transcript NM_000393.5 (MANE Select); coding-DNA position 1716, G replaced by T.
Protein change: p.Arg572=; no amino-acid change (arginine 572 retained).
Molecular consequence: synonymous variant.
Genome position (GRCh38, 1-based): chr2:189,064,557, C>A on the plus strand (G>T on the coding strand, the complement: COL5A2 is on the minus strand). VCF-style: chr2-189064557-C-A. GRCh37 (hg19) VCF-style: chr2-189929283-C-A.
Identifiers: ClinVar variation 4731107 (VCV004731107.1).
Genomic context (GRCh38, chr2:189,064,557, plus strand): 5'-CAATGCATGCTCAGGAGCACTTCTCCCCTTTGATGTAGCAAACACTTGCTATATTCTTAC[C>A]CGAGCACCTGGAAGCCCAGGTTCCCCTGGACGTCCTGGATCCCCCTGGCTTCCTTTGGGT-3'
Protein context (NP_000384.2, residues 562-582): RPGEPGLPGA[Arg572=]GLTGNPGVQG